The following is an entry in ClinVar:

NM_000018.4(ACADVL):c.1467T>G (p.Ser489Arg)

Gene: ACADVL (acyl-CoA dehydrogenase very long chain; plus strand). Cytogenetic location: 17p13.1.
Variant type: single nucleotide variant.
Coding change: c.1467T>G on transcript NM_000018.4 (MANE Select); coding-DNA position 1467, T replaced by G.
Protein change: p.Ser489Arg; replaces serine 489 with arginine.
Molecular consequence: missense variant.
Genome position (GRCh38, 1-based): chr17:7,224,178, T>G. VCF-style: chr17-7224178-T-G. GRCh37 (hg19) VCF-style: chr17-7127497-T-G.
Other names: c.1401T>G, p.Ser467Arg (NM_001033859.3); c.1536T>G, p.Ser512Arg (NM_001270447.2); c.1239T>G, p.Ser413Arg (NM_001270448.2); short protein forms S413R, S489R, S512R, S467R.
Identifiers: ClinVar variation 932810 (VCV000932810.8), dbSNP rs771117714, ClinGen allele CA397725189.
Genomic context (GRCh38, chr17:7,224,178, plus strand): 5'-CTGACTGCTGGACCCTCTTCCCCCATAGGACAAAGGAAAGGAGCTCTCTGGGCTTGGCAG[T>G]GCTCTAAAGAATCCCTTTGGGAATGCTGGCCTCCTGCTAGGAGAGGCAGGCAAACAGCTG-3'
Protein context (NP_000009.1, residues 479-499): DKGKELSGLG[Ser489Arg]ALKNPFGNAG

ClinVar aggregate classification (germline): Conflicting classifications of pathogenicity. Review status: criteria provided, conflicting classifications (1 of 4 stars). 3 submissions from 3 submitters: Uncertain significance (2); Likely benign (1). Last evaluated 2023-08-14.

Conditions:
Very long chain acyl-CoA dehydrogenase deficiency (ACADVLD). Also called: Very Long-Chain Acyl-Coenzyme A Dehydrogenase Deficiency; VLCAD Deficiency. Identifiers: Orphanet 26793, MedGen C3887523, MONDO:0008723, OMIM 201475.

Submissions (3):

Labcorp Genetics (formerly Invitae), Labcorp
Classification: Uncertain significance for Very long chain acyl-CoA dehydrogenase deficiency. Last evaluated: 2023-08-14. Review status: criteria provided, single submitter. Criteria: Invitae Variant Classification Sherloc (09022015). Collection method: clinical testing. Allele origin: germline.
Comment: This variant has not been reported in the literature in individuals affected with ACADVL-related conditions. ClinVar contains an entry for this variant (Variation ID: 932810). Advanced modeling of protein sequence and biophysical properties (such as structural, functional, and spatial information, amino acid conservation, physicochemical variation, residue mobility, and thermodynamic stability) performed at Invitae indicates that this missense variant is not expected to disrupt ACADVL protein function. Algorithms developed to predict the effect of sequence changes on RNA splicing suggest that this variant may disrupt the consensus splice site. In summary, the available evidence is currently insufficient to determine the role of this variant in disease. Therefore, it has been classified as a Variant of Uncertain Significance. This variant is not present in population databases (gnomAD no frequency). This sequence change replaces serine, which is neutral and polar, with arginine, which is basic and polar, at codon 489 of the ACADVL protein (p.Ser489Arg).

GeneDx
Classification: Uncertain significance. Last evaluated: 2023-01-09. Review status: criteria provided, single submitter. Criteria: GeneDx Variant Classification Process June 2021. Collection method: clinical testing. Allele origin: germline. Affected: yes.
Comment: Not observed at significant frequency in large population cohorts (gnomAD); In silico analysis supports that this missense variant does not alter protein structure/function; In silico analysis is inconclusive as to whether the variant alters gene splicing. In the absence of RNA/functional studies, the actual effect of this sequence change is unknown.; Has not been previously published as pathogenic or benign to our knowledge

Wong Mito Lab, Molecular and Human Genetics, Baylor College of Medicine
Classification: Likely benign for Very long chain acyl-CoA dehydrogenase deficiency. Last evaluated: 2019-11-01. Review status: criteria provided, single submitter. Criteria: ACMG Guidelines, 2015. Collection method: clinical testing. Allele origin: germline.
Comment: The NM_000018.3:c.1467T>G (NP_000009.1:p.Ser489Arg) [GRCH38: NC_000017.11:g.7224178T>G] variant in ACADVL gene is interpretated to be Likely Benign based on ACMG guidelines (PMID: 25741868). This variant has been reported. This variant meets the following evidence codes reported in the ACMG guidelines: BP2, BP4